The following is an entry in ClinVar:

ClinVar aggregate classification (germline): Uncertain significance (1 of 4 stars; one submission).

gnomAD v4.1: 17 of 1,613,070 alleles (0.0011%); highest among the groups gnomAD compares: East Asian, 0.0022%; no homozygotes.

Submission:

CeGaT Center for Human Genetics Tuebingen
Classification: Uncertain significance. Last evaluated: 2024-07-01. Review status: criteria provided, single submitter. Criteria: CeGaT Center For Human Genetics Tuebingen Variant Classification Criteria Version 2. Collection method: clinical testing. Allele origin: germline. Affected: yes. Observed: 1 variant allele.
Comment: AEBP1: PM2, BP4

NM_001129.5(AEBP1):c.1784G>A (p.Arg595Gln)

Gene: AEBP1 (AE binding protein 1; plus strand). Cytogenetic location: 7p13.
Variant type: single nucleotide variant.
Coding change: c.1784G>A on transcript NM_001129.5 (MANE Select); coding-DNA position 1784, G replaced by A.
Protein change: p.Arg595Gln; replaces arginine 595 with glutamine.
Molecular consequence: missense variant.
Genome position (GRCh38, 1-based): chr7:44,111,574, G>A. VCF-style: chr7-44111574-G-A. GRCh37 (hg19) VCF-style: chr7-44151173-G-A.
Other names: short protein forms R595Q.
Identifiers: ClinVar variation 3257147 (VCV003257147.17).